The following is an entry in ClinVar:

ClinVar aggregate classification (germline): Likely benign (1 of 4 stars; one submission).

gnomAD v4.1: 7 of 1,613,616 alleles (0.00043%); highest among the groups gnomAD compares: African/African-American, 0.008%; no homozygotes.

Submission:

Women's Health and Genetics/Laboratory Corporation of America, LabCorp
Classification: Likely benign. Last evaluated: 2024-06-25. Review status: criteria provided, single submitter. Criteria: LabCorp Variant Classification Summary - May 2015. Collection method: clinical testing. Allele origin: germline.
Comment: Variant summary: PDE10A c.2196C>G alters a non-conserved nucleotide resulting in a synonymous change. Consensus agreement among computation tools predict no significant impact on normal splicing. However, these predictions have yet to be confirmed by functional studies. The variant was absent in 251236 control chromosomes. The available data on variant occurrences in the general population are insufficient to allow any conclusion about variant significance. To our knowledge, no occurrence of c.2196C>G in individuals affected with PDE10A-Related Disorders and no experimental evidence demonstrating its impact on protein function have been reported. ClinVar contains an entry for this variant (Variation ID: 747132). Based on the evidence outlined above, the variant was classified as likely benign.

NM_001385079.1(PDE10A):c.2994C>G (p.Ala998=)

Gene: PDE10A (phosphodiesterase 10A; minus strand). Cytogenetic location: 6q27.
Variant type: single nucleotide variant.
Coding change: c.2994C>G on transcript NM_001385079.1 (MANE Select); coding-DNA position 2994, C replaced by G.
Protein change: p.Ala998=; no amino-acid change (alanine 998 retained).
Molecular consequence: synonymous variant.
Genome position (GRCh38, 1-based): chr6:165,336,194, G>C on the plus strand (C>G on the coding strand, the complement: PDE10A is on the minus strand). VCF-style: chr6-165336194-G-C. GRCh37 (hg19) VCF-style: chr6-165749683-G-C.
Other names: c.2196C>G, p.Ala732= (NM_001130690.3); c.2166C>G, p.Ala722= (NM_006661.4).
Identifiers: ClinVar variation 3339791 (VCV003339791.1).